The following is an entry in ClinVar:

ClinVar aggregate classification (germline): Uncertain significance (1 of 4 stars; one submission).

Allele frequency attached by ClinVar (database versions not stated): gnomAD exomes 0.00001; TOPMed 0.00001; ExAC 0.00002.

Submission:

Labcorp Genetics (formerly Invitae), Labcorp
Classification: Uncertain significance. Last evaluated: 2022-05-12. Review status: criteria provided, single submitter. Criteria: Invitae Variant Classification Sherloc (09022015). Collection method: clinical testing. Allele origin: germline.
Comment: This sequence change replaces arginine, which is basic and polar, with glutamine, which is neutral and polar, at codon 82 of the CLRN1 protein (p.Arg82Gln). This variant is present in population databases (rs765946379, gnomAD 0.004%). This variant has not been reported in the literature in individuals affected with CLRN1-related conditions. Algorithms developed to predict the effect of missense changes on protein structure and function output the following: SIFT: "Tolerated"; PolyPhen-2: "Benign"; Align-GVGD: "Class C0". The glutamine amino acid residue is found in multiple mammalian species, which suggests that this missense change does not adversely affect protein function. In summary, the available evidence is currently insufficient to determine the role of this variant in disease. Therefore, it has been classified as a Variant of Uncertain Significance.

NM_174878.3(CLRN1):c.245G>A (p.Arg82Gln)

Gene: CLRN1 (clarin 1; minus strand). Cytogenetic location: 3q25.1.
Variant type: single nucleotide variant.
Coding change: c.245G>A on transcript NM_174878.3 (MANE Select); coding-DNA position 245, G replaced by A.
Protein change: p.Arg82Gln; replaces arginine 82 with glutamine.
Molecular consequence: missense variant. On other transcripts: non-coding transcript variant (1).
Genome position (GRCh38, 1-based): chr3:150,972,464, C>T on the plus strand (G>A on the coding strand, the complement: CLRN1 is on the minus strand). VCF-style: chr3-150972464-C-T. GRCh37 (hg19) VCF-style: chr3-150690251-C-T.
Other names: c.245G>A, p.Arg82Gln (NM_001195794.1, NM_001256819.2); short protein forms R82Q.
Identifiers: ClinVar variation 2155690 (VCV002155690.1), dbSNP rs765946379, ClinGen allele CA2666183.